The following is an entry in ClinVar:

ClinVar aggregate classification (germline): Uncertain significance. Review status: criteria provided, multiple submitters, no conflicts (2 of 4 stars). 7 submissions from 5 submitters: Uncertain significance (7). Last evaluated 2025-06-16.

Conditions:
Cardiomyopathy (CMYO). Also called: Cardiomyopathies. Identifiers: Orphanet 167848, MedGen C0878544, MONDO:0004994, HP:0001638. Inheritance: Various modes of inheritance.
Cardiomyopathy, familial restrictive, 3. Identifiers: Orphanet 75249, MedGen C2676271, MONDO:0012900, OMIM 612422.
Dilated cardiomyopathy 1D. Identifiers: Orphanet 154, Orphanet 54260, MedGen C1832243, MONDO:0011095, OMIM 601494.
Hypertrophic cardiomyopathy 2. Also called: TNNT2-Related Familial Hypertrophic Cardiomyopathy. Identifiers: MedGen C1861864, MONDO:0007266, OMIM 115195.

Allele frequency attached by ClinVar (database versions not stated): gnomAD exomes below 0.00001; TOPMed below 0.00001; ExAC 0.00002.
gnomAD v4.1: 11 of 1,594,880 alleles (0.00069%); highest among the groups gnomAD compares: South Asian, 0.0023%; no homozygotes.

Submissions (7):

Labcorp Genetics (formerly Invitae), Labcorp
Classification: Uncertain significance for Cardiomyopathy, familial restrictive, 3; Hypertrophic cardiomyopathy 2; Dilated cardiomyopathy 1D. Last evaluated: 2025-06-16. Review status: criteria provided, single submitter. Criteria: Invitae Variant Classification Sherloc (09022015). Collection method: clinical testing. Allele origin: germline.
Comment: This sequence change replaces arginine, which is basic and polar, with glutamine, which is neutral and polar, at codon 265 of the TNNT2 protein (p.Arg265Gln). The frequency data for this variant in the population databases is considered unreliable, as metrics indicate poor data quality at this position in the gnomAD database. This missense change has been observed in individual(s) with primary fibrotic atrial cardiomyopathy (PMID: 35063694). This variant is also known as c.785G>A (p.Arg262Gln). ClinVar contains an entry for this variant (Variation ID: 181646). Invitae Evidence Modeling of protein sequence and biophysical properties (such as structural, functional, and spatial information, amino acid conservation, physicochemical variation, residue mobility, and thermodynamic stability) indicates that this missense variant is not expected to disrupt TNNT2 protein function with a negative predictive value of 80%. In summary, the available evidence is currently insufficient to determine the role of this variant in disease. Therefore, it has been classified as a Variant of Uncertain Significance.

All of Us Research Program, National Institutes of Health
Classification: Uncertain significance for Cardiomyopathy. Last evaluated: 2024-08-06. Review status: criteria provided, single submitter. Criteria: ACMG Guidelines, 2015. Collection method: clinical testing. Allele origin: germline. Inheritance: Autosomal dominant inheritance. Observed: 2 variant alleles, 2 heterozygotes.
Comment: This missense variant replaces arginine with glutamine at codon 265 of the TNNT2 protein. Computational prediction is inconclusive regarding the impact of this variant on protein structure and function (internally defined REVEL score threshold 0.5 < inconclusive < 0.7, PMID: 27666373). To our knowledge, functional studies have not been reported for this variant. This variant has not been reported in individuals affected with cardiovascular disorders in the literature. This variant has been identified in 1/220974 chromosomes in the general population by the Genome Aggregation Database (gnomAD). The available evidence is insufficient to determine the role of this variant in disease conclusively. Therefore, this variant is classified as a Variant of Uncertain Significance.

This study involves interpretation of variants in research participants for the purpose of population health screening. Participant phenotype was not available at the time of variant classification. Additional details can be found in publication PMID: 35346344, PMCID: PMC8962531

Color Diagnostics, LLC DBA Color Health
Classification: Uncertain significance for Cardiomyopathy. Last evaluated: 2023-11-13. Review status: criteria provided, single submitter. Criteria: ACMG Guidelines, 2015. Collection method: clinical testing. Allele origin: germline.
Comment: This missense variant replaces arginine with glutamine at codon 265 of the TNNT2 protein. Computational prediction is inconclusive regarding the impact of this variant on protein structure and function (internally defined REVEL score threshold 0.5 < inconclusive < 0.7, PMID: 27666373). To our knowledge, functional studies have not been reported for this variant. This variant has not been reported in individuals affected with cardiovascular disorders in the literature. This variant has been identified in 1/220974 chromosomes in the general population by the Genome Aggregation Database (gnomAD). The available evidence is insufficient to determine the role of this variant in disease conclusively. Therefore, this variant is classified as a Variant of Uncertain Significance.

Genome-Nilou Lab
Classification: Uncertain significance for Dilated cardiomyopathy 1D. Last evaluated: 2023-04-11. Review status: criteria provided, single submitter. Criteria: ACMG Guidelines, 2015. Collection method: clinical testing. Allele origin: germline. Affected: no.

Genome-Nilou Lab
Classification: Uncertain significance for Cardiomyopathy, familial restrictive, 3. Last evaluated: 2023-04-11. Review status: criteria provided, single submitter. Criteria: ACMG Guidelines, 2015. Collection method: clinical testing. Allele origin: germline. Affected: no.

Genome-Nilou Lab
Classification: Uncertain significance for Hypertrophic cardiomyopathy 2. Last evaluated: 2023-04-11. Review status: criteria provided, single submitter. Criteria: ACMG Guidelines, 2015. Collection method: clinical testing. Allele origin: germline. Affected: no.

GeneDx
Classification: Uncertain significance. Last evaluated: 2022-01-12. Review status: criteria provided, single submitter. Criteria: GeneDx Variant Classification Process June 2021. Collection method: clinical testing. Allele origin: germline. Affected: yes.
Comment: Not observed at significant frequency in large population cohorts (gnomAD); In silico analysis supports that this missense variant does not alter protein structure/function; Has not been previously published as pathogenic or benign to our knowledge

Literature cited by the submitters: PubMed 35063694 (cited by Labcorp Genetics (formerly Invitae), Labcorp).

NM_001276345.2(TNNT2):c.824G>A (p.Arg275Gln)

Gene: TNNT2 (troponin T2, cardiac type; minus strand). Cytogenetic location: 1q32.1.
Variant type: single nucleotide variant.
Coding change: c.824G>A on transcript NM_001276345.2 (MANE Select); coding-DNA position 824, G replaced by A.
Protein change: p.Arg275Gln; replaces arginine 275 with glutamine.
Molecular consequence: missense variant.
Genome position (GRCh38, 1-based): chr1:201,359,650, C>T on the plus strand (G>A on the coding strand, the complement: TNNT2 is on the minus strand). VCF-style: chr1-201359650-C-T. GRCh37 (hg19) VCF-style: chr1-201328778-C-T.
Other names: p.R265Q:CGA>CAA; c.815G>A, p.Arg272Gln (NM_000364.4); c.794G>A, p.Arg265Gln (NM_001001430.3, NM_001276347.2); c.785G>A, p.Arg262Gln (NM_001001431.3); c.776G>A, p.Arg259Gln (NM_001001432.3); c.695G>A, p.Arg232Gln (NM_001276346.2); short protein forms R265Q, R272Q, R232Q, R262Q, R259Q, R275Q.
Identifiers: ClinVar variation 181646 (VCV000181646.20), dbSNP rs730881125, ClinGen allele CA005145.
Genomic context (GRCh38, chr1:201,359,650, plus strand): 5'-GAGGGCTAGGCGAGAATGACCTCAGACACTTACACTTTCTGGTTATCGTTGATCCTGTTT[C>T]GGAGAACATTGATCTGCAAGAAAAGTGGGAAGGACAAAGAGCAACGCTGGAGCTGACTGG-3'
Protein context (NP_001263274.1, residues 265-285): KQQKYEINVL[Arg275Gln]NRINDNQKVS